The following is an entry in ClinVar:

NM_030653.4(DDX11):c.1928G>A (p.Arg643His)

Gene: DDX11 (DEAD/H-box helicase 11; plus strand). Cytogenetic location: 12p11.21.
Variant type: single nucleotide variant.
Coding change: c.1928G>A on transcript NM_030653.4 (MANE Select); coding-DNA position 1928, G replaced by A.
Protein change: p.Arg643His; replaces arginine 643 with histidine.
Molecular consequence: missense variant. On other transcripts: non-coding transcript variant (4).
Genome position (GRCh38, 1-based): chr12:31,100,687, G>A. VCF-style: chr12-31100687-G-A. GRCh37 (hg19) VCF-style: chr12-31253621-G-A.
Other names: c.1928G>A, p.Arg643His (NM_001257144.2, NM_001413692.1, NM_001413693.1 and 5 more transcripts); c.1850G>A, p.Arg617His (NM_001257145.2, NM_001413697.1, NM_001413698.1 and 1 more transcripts); c.1841G>A, p.Arg614His (NM_001413700.1); c.1400G>A, p.Arg467His (NM_001413702.1, NM_001413703.1); c.1067G>A, p.Arg356His (NM_001413704.1, NM_001413705.1); c.962G>A, p.Arg321His (NM_001413706.1); short protein forms R467H, R321H, R356H, R614H, R617H, R643H.
Identifiers: ClinVar variation 2588425 (VCV002588425.4), dbSNP rs141979246, ClinGen allele CA6501557.

ClinVar aggregate classification (germline): Uncertain significance. Review status: criteria provided, multiple submitters, no conflicts (2 of 4 stars). 2 submissions from 2 submitters: Uncertain significance (2). Last evaluated 2025-10-08.

Conditions:
Inborn genetic diseases. Identifiers: MedGen C0950123, MeSH D030342.

Allele frequency attached by ClinVar (database versions not stated): gnomAD exomes 0.00032; ESP Exome Variant Server 0.00008.
gnomAD v4.1: 463 of 1,552,380 alleles (0.03%); highest among the groups gnomAD compares: Non-Finnish European, 0.038%; no homozygotes.

Submissions (2):

Ambry Genetics
Classification: Uncertain significance for Inborn genetic diseases. Last evaluated: 2025-10-08. Review status: criteria provided, single submitter. Criteria: Ambry Variant Classification Scheme 2023. Collection method: clinical testing. Allele origin: germline.

GeneDx
Classification: Uncertain significance. Last evaluated: 2023-11-16. Review status: criteria provided, single submitter. Criteria: GeneDx Variant Classification Process June 2021. Collection method: clinical testing. Allele origin: germline. Affected: yes.
Comment: In silico analysis supports that this missense variant has a deleterious effect on protein structure/function; Has not been previously published as pathogenic or benign to our knowledge